The following is an entry in ClinVar:

NM_001161352.2(KCNMA1):c.466G>C (p.Val156Leu)

Gene: KCNMA1 (potassium calcium-activated channel subfamily M alpha 1; minus strand). Cytogenetic location: 10q22.3.
Variant type: single nucleotide variant.
Coding change: c.466G>C on transcript NM_001161352.2 (MANE Select); coding-DNA position 466, G replaced by C.
Protein change: p.Val156Leu; replaces valine 156 with leucine.
Molecular consequence: missense variant. On other transcripts: intron variant (1).
Genome position (GRCh38, 1-based): chr10:77,403,936, C>G on the plus strand (G>C on the coding strand, the complement: KCNMA1 is on the minus strand). VCF-style: chr10-77403936-C-G. GRCh37 (hg19) VCF-style: chr10-79163694-C-G.
Other names: c.466G>C, p.Val156Leu (NM_001322836.2, NM_001322837.2, NM_001410940.1 and 8 more transcripts); c.379-152680G>C (NM_001271518.2); short protein forms V156L.
Identifiers: ClinVar variation 2845217 (VCV002845217.3), dbSNP rs200928962, ClinGen allele CA377411082.
Genomic context (GRCh38, chr10:77,403,936, plus strand): 5'-TCAGTGTCTGGGCGGATATCATCACCCCCGCCCAGTCCTTCACGGAGGTCATCCAGCCGA[C>G]CTCGGCGGCCACTGCCTCCTCTTTTTCATCCACTGGTTTGAGAGTGCCATCCGCCTGGCT-3'
Protein context (NP_001154824.1, residues 146-166): DEKEEAVAAE[Val156Leu]GWMTSVKDWA

ClinVar aggregate classification (germline): Uncertain significance (1 of 4 stars; one submission).

Conditions:
Generalized epilepsy-paroxysmal dyskinesia syndrome (PNKD3). Also called: Generalized epilepsy and paroxysmal dyskinesia; Paroxysmal nonkinesigenic dyskinesia, 3, with or without generalized epilepsy. Identifiers: Orphanet 79137, MedGen C5574945, MONDO:0012276, OMIM 609446.

Submission:

Labcorp Genetics (formerly Invitae), Labcorp
Classification: Uncertain significance for Generalized epilepsy-paroxysmal dyskinesia syndrome. Last evaluated: 2023-03-12. Review status: criteria provided, single submitter. Criteria: Invitae Variant Classification Sherloc (09022015). Collection method: clinical testing. Allele origin: germline.
Comment: Advanced modeling of protein sequence and biophysical properties (such as structural, functional, and spatial information, amino acid conservation, physicochemical variation, residue mobility, and thermodynamic stability) performed at Invitae indicates that this missense variant is not expected to disrupt KCNMA1 protein function. This sequence change replaces valine, which is neutral and non-polar, with leucine, which is neutral and non-polar, at codon 156 of the KCNMA1 protein (p.Val156Leu). This variant is not present in population databases (gnomAD no frequency). This variant has not been reported in the literature in individuals affected with KCNMA1-related conditions. In summary, the available evidence is currently insufficient to determine the role of this variant in disease. Therefore, it has been classified as a Variant of Uncertain Significance.